The following is an entry in ClinVar:

ClinVar aggregate classification (germline): Uncertain significance (1 of 4 stars; one submission).

Conditions:
Long QT syndrome (LQTS). Identifiers: MedGen C0023976, MeSH D008133, MONDO:0002442. Disease mechanism: loss of function. Inheritance: Various modes of inheritance.

gnomAD v4.1: 2 of 1,613,884 alleles (0.00012%); highest among the groups gnomAD compares: African/African-American, 0.0027%; no homozygotes.

Submission:

Labcorp Genetics (formerly Invitae), Labcorp
Classification: Uncertain significance for Long QT syndrome. Last evaluated: 2022-10-09. Review status: criteria provided, single submitter. Criteria: Invitae Variant Classification Sherloc (09022015). Collection method: clinical testing. Allele origin: germline.
Comment: Algorithms developed to predict the effect of missense changes on protein structure and function are either unavailable or do not agree on the potential impact of this missense change (SIFT: "Tolerated"; PolyPhen-2: "Probably Damaging"; Align-GVGD: "Class C0"). In summary, the available evidence is currently insufficient to determine the role of this variant in disease. Therefore, it has been classified as a Variant of Uncertain Significance. This variant has not been reported in the literature in individuals affected with ANK2-related conditions. This variant is not present in population databases (gnomAD no frequency). This sequence change replaces proline, which is neutral and non-polar, with leucine, which is neutral and non-polar, at codon 3710 of the ANK2 protein (p.Pro3710Leu).

NM_001148.6(ANK2):c.11129C>T (p.Pro3710Leu)

Gene: ANK2 (ankyrin 2; plus strand). Cytogenetic location: 4q26.
Variant type: single nucleotide variant.
Coding change: c.11129C>T on transcript NM_001148.6 (MANE Select); coding-DNA position 11129, C replaced by T.
Protein change: p.Pro3710Leu; replaces proline 3710 with leucine.
Molecular consequence: missense variant.
Genome position (GRCh38, 1-based): chr4:113,367,662, C>T. VCF-style: chr4-113367662-C-T. GRCh37 (hg19) VCF-style: chr4-114288818-C-T.
Other names: c.7529C>T, p.Pro2510Leu (NM_001386166.1); c.1274C>T, p.Pro425Leu (NM_001386167.1); c.11270C>T, p.Pro3757Leu (NM_001386174.1); c.11246C>T, p.Pro3749Leu (NM_001386175.1); c.4859C>T, p.Pro1620Leu (NM_001386186.2, NM_001386148.2); c.4739C>T, p.Pro1580Leu (NM_001386187.2); c.4874C>T, p.Pro1625Leu (NM_020977.5); c.4847C>T, p.Pro1616Leu (NM_001127493.3); and 35 more; short protein forms P1530L, P1547L, P1554L, P1559L, P1563L, P1582L, P1640L, P1644L.
Identifiers: ClinVar variation 1921139 (VCV001921139.5), dbSNP rs757554789, ClinGen allele CA357942031.
Genomic context (GRCh38, chr4:113,367,662, plus strand): 5'-AGCACAAGCAGAAAGAGGAGCAAGCTGTTTCTAAAGAAAGTGAGACCTGCGATCACCCTC[C>T]TATCGTCTCAGAGGAAGACATTTCTGTTGGTTATTCCACTTTTCAGGATGGCGTCCCCAA-3'
Protein context (NP_001139.3, residues 3700-3720): SKESETCDHP[Pro3710Leu]IVSEEDISVG